The following is an entry in ClinVar:

ClinVar aggregate classification (germline): Uncertain significance (1 of 4 stars; one submission).

Conditions:
Cardiovascular phenotype. Identifiers: MedGen CN230736.

Submission:

Ambry Genetics
Classification: Uncertain significance for Cardiovascular phenotype. Last evaluated: 2026-01-24. Review status: criteria provided, single submitter. Criteria: Ambry Variant Classification Scheme 2023. Collection method: clinical testing. Allele origin: germline.
Comment: The p.V914D variant (also known as c.2741T>A), located in coding exon 18 of the FLNC gene, results from a T to A substitution at nucleotide position 2741. The valine at codon 914 is replaced by aspartic acid, an amino acid with highly dissimilar properties. This amino acid position is conserved. In addition, this alteration is predicted to be tolerated by in silico analysis. Based on the available evidence, the clinical significance of this variant remains unclear.

NM_001458.5(FLNC):c.2741T>A (p.Val914Asp)

Gene: FLNC (filamin C; plus strand). Cytogenetic location: 7q32.1.
Variant type: single nucleotide variant.
Coding change: c.2741T>A on transcript NM_001458.5 (MANE Select); coding-DNA position 2741, T replaced by A.
Protein change: p.Val914Asp; replaces valine 914 with aspartic acid.
Molecular consequence: missense variant.
Genome position (GRCh38, 1-based): chr7:128,843,507, T>A. VCF-style: chr7-128843507-T-A. GRCh37 (hg19) VCF-style: chr7-128483561-T-A.
Other names: c.2741T>A, p.Val914Asp (NM_001127487.2); short protein forms V914D.
Identifiers: ClinVar variation 4824278 (VCV004824278.1).